The following is an entry in ClinVar:

ClinVar aggregate classification (germline): Likely benign (0 of 4 stars; one submission).

Conditions:
DENND4B-related disorder. Also called: DENND4B-related condition.

Allele frequency attached by ClinVar (database versions not stated): gnomAD exomes 0.00019; ExAC 0.00047; ESP Exome Variant Server 0.00177; 1000 Genomes Project 0.00180; gnomAD 0.00187; 1000 Genomes Project 30x 0.00203; TOPMed 0.00205.
gnomAD v4.1: 567 of 1,613,924 alleles (0.035%); highest among the groups gnomAD compares: African/African-American, 0.69%; 1 homozygote.

Submission:

PreventionGenetics, part of Exact Sciences
Classification: Likely benign for DENND4B-related condition. Last evaluated: 2019-12-03. Review status: no assertion criteria provided. Collection method: clinical testing. Allele origin: germline.
Comment: This variant is classified as likely benign based on ACMG/AMP sequence variant interpretation guidelines (Richards et al. 2015 PMID: 25741868, with internal and published modifications).

NM_014856.3(DENND4B):c.3624-6C>T

Gene: DENND4B (DENN domain containing 4B; minus strand). Cytogenetic location: 1q21.3.
Variant type: single nucleotide variant.
Coding change: c.3624-6C>T on transcript NM_014856.3 (MANE Select); 6 bases into the intron before coding-DNA position 3624, C replaced by T.
Molecular consequence: intron variant.
Genome position (GRCh38, 1-based): chr1:153,932,783, G>A on the plus strand (C>T on the coding strand, the complement: DENND4B is on the minus strand). VCF-style: chr1-153932783-G-A. GRCh37 (hg19) VCF-style: chr1-153905259-G-A.
Other names: c.3657-6C>T (NM_001367466.1).
Identifiers: ClinVar variation 3048236 (VCV003048236.2), dbSNP rs187284284, ClinGen allele CA1121148.
Genomic context (GRCh38, chr1:153,932,783, plus strand): 5'-AGGGACAGGAGCATCTTTGCTGCCACTGGCACCAGCAGATTTGGGGCTGGGGACACTGCA[G>A]GGGGATAGCAGCAGGGGTCAGCTTTTGGACCTTCACCTCCCTATTCCCACCCACAGCACT-3'